The following is an entry in ClinVar:

ClinVar aggregate classification (germline): Uncertain significance. Review status: criteria provided, multiple submitters, no conflicts (2 of 4 stars). 2 submissions from 2 submitters: Uncertain significance (2). Last evaluated 2023-02-24.

Conditions:
Cardiomyopathy (CMYO). Also called: Cardiomyopathies. Identifiers: Orphanet 167848, MedGen C0878544, MONDO:0004994, HP:0001638. Inheritance: Various modes of inheritance.
Hypertrophic cardiomyopathy. Also called: HYPERTROPHIC MYOCARDIOPATHY. Identifiers: Orphanet 217569, MedGen C0007194, MeSH D002312, MONDO:0005045, HP:0001639.

Submissions (2):

All of Us Research Program, National Institutes of Health
Classification: Uncertain significance for Hypertrophic cardiomyopathy. Last evaluated: 2023-02-24. Review status: criteria provided, single submitter. Criteria: ACMG Guidelines, 2015. Collection method: clinical testing. Allele origin: germline. Inheritance: Autosomal dominant inheritance. Observed: 1 variant allele, 1 heterozygote.
Comment: This missense variant replaces aspartic acid with glutamic acid at codon 145 of the MYL2 protein. Computational prediction is inconclusive regarding the impact of this variant on protein structure and function (internally defined REVEL score threshold 0.5 < inconclusive < 0.7, PMID: 27666373). To our knowledge, functional studies have not been reported for this variant. This variant has not been reported in individuals affected with MYL2-related disorders in the literature. This variant has not been identified in the general population by the Genome Aggregation Database (gnomAD). The available evidence is insufficient to determine the role of this variant in disease conclusively. Therefore, this variant is classified as a Variant of Uncertain Significance.

This study involves interpretation of variants in research participants for the purpose of population health screening. Participant phenotype was not available at the time of variant classification. Additional details can be found in publication PMID: 35346344, PMCID: PMC8962531

CHEO Genetics Diagnostic Laboratory, Children's Hospital of Eastern Ontario
Classification: Uncertain significance for Cardiomyopathy. Last evaluated: 2016-05-19. Review status: criteria provided, single submitter. Criteria: ACMG Guidelines, 2015. Collection method: clinical testing. Allele origin: germline. Study: Canadian Open Genetics Repository.

NM_000432.4(MYL2):c.435C>G (p.Asp145Glu)

Gene: MYL2 (myosin light chain 2; minus strand). Cytogenetic location: 12q24.11.
Variant type: single nucleotide variant.
Coding change: c.435C>G on transcript NM_000432.4 (MANE Select); coding-DNA position 435, C replaced by G.
Protein change: p.Asp145Glu; replaces aspartic acid 145 with glutamic acid.
Molecular consequence: missense variant.
Genome position (GRCh38, 1-based): chr12:110,911,143, G>C on the plus strand (C>G on the coding strand, the complement: MYL2 is on the minus strand). VCF-style: chr12-110911143-G-C. GRCh37 (hg19) VCF-style: chr12-111348947-G-C.
Other names: short protein forms D145E.
Identifiers: ClinVar variation 626789 (VCV000626789.3), dbSNP rs766907447, ClinGen allele CA386696907.
Genomic context (GRCh38, chr12:110,911,143, plus strand): 5'-CTTCTCTTCTCCGTGGGTGATGATGTGCACCAGGTTCTTGTAGTCCAAGTTGCCAGTCAC[G>C]TCAGGGGGGAAGGCGGCGAACATCTGGTCAACCTGCAATGAGCCAGCAACACGTGCTAAG-3'
Protein context (NP_000423.2, residues 135-155): VDQMFAAFPP[Asp145Glu]VTGNLDYKNL